The following is an entry in ClinVar:

ClinVar aggregate classification (germline): Benign (1 of 4 stars; one submission).

Conditions:
Generalized juvenile polyposis/juvenile polyposis coli. Also called: Juvenile polyposis coli. Identifiers: Orphanet 329971, MedGen C1868081, MONDO:0008276.

Allele frequency attached by ClinVar (database versions not stated): gnomAD exomes 0.00035; ExAC 0.00043; gnomAD 0.00123 and 0.00130; 1000 Genomes Project 0.00140; 1000 Genomes Project 30x 0.00141; TOPMed 0.00143.

Submission:

Illumina Laboratory Services, Illumina
Classification: Benign for Juvenile polyposis syndrome. Last evaluated: 2018-01-12. Review status: criteria provided, single submitter. Criteria: ICSL Variant Classification Criteria 13 December 2019. Collection method: clinical testing. Allele origin: germline.
Comment: This variant was observed in the ICSL laboratory as part of a predisposition screen in an ostensibly healthy population. It had not been previously curated by ICSL or reported in the Human Gene Mutation Database (HGMD: prior to June 1st, 2018), and was therefore a candidate for classification through an automated scoring system. Utilizing variant allele frequency, disease prevalence and penetrance estimates, and inheritance mode, an automated score was calculated to assess if this variant is too frequent to cause the disease. Based on the score and internal cut-off values, a variant classified as benign is not then subjected to further curation. The score for this variant resulted in a classification of benign for this disease.

NM_004329.3(BMPR1A):c.*47T>A

Gene: BMPR1A (bone morphogenetic protein receptor type 1A; plus strand). Cytogenetic location: 10q23.2.
Variant type: single nucleotide variant.
Coding change: c.*47T>A on transcript NM_004329.3 (MANE Select); 47 bases downstream of the stop codon, T replaced by A.
Molecular consequence: 3 prime UTR variant.
Genome position (GRCh38, 1-based): chr10:86,923,766, T>A. VCF-style: chr10-86923766-T-A. GRCh37 (hg19) VCF-style: chr10-88683523-T-A.
Identifiers: ClinVar variation 301355 (VCV000301355.5), dbSNP rs542274831, ClinGen allele CA5585762.